The following is an entry in ClinVar:

NM_152296.5(ATP1A3):c.7-27G>A

Gene: ATP1A3 (ATPase Na+/K+ transporting subunit alpha 3; minus strand). Cytogenetic location: 19q13.2.
Variant type: single nucleotide variant.
Coding change: c.7-27G>A on transcript NM_152296.5 (MANE Select); 27 bases into the intron before coding-DNA position 7, G replaced by A.
Molecular consequence: intron variant. On other transcripts: missense variant (1).
Genome position (GRCh38, 1-based): chr19:41,988,589, C>T on the plus strand (G>A on the coding strand, the complement: ATP1A3 is on the minus strand). VCF-style: chr19-41988589-C-T. GRCh37 (hg19) VCF-style: chr19-42492741-C-T.
Other names: c.19G>A, p.Asp7Asn (NM_001256214.2); c.40-27G>A (NM_001256213.2); short protein forms D7N.
Identifiers: ClinVar variation 4282266 (VCV004282266.1).

ClinVar aggregate classification (germline): Uncertain significance (1 of 4 stars; one submission).

Submission:

GeneDx
Classification: Uncertain significance. Last evaluated: 2025-04-15. Review status: criteria provided, single submitter. Criteria: GeneDx Variant Classification Process June 2021. Collection method: clinical testing. Allele origin: germline. Affected: yes.
Comment: Not observed at significant frequency in large population cohorts (gnomAD); In silico analysis supports a deleterious effect on splicing; Has not been previously published as pathogenic or benign to our knowledge; Reported using an alternate transcript of the gene